The following is an entry in ClinVar:

ClinVar aggregate classification (germline): Uncertain significance (1 of 4 stars; one submission).

Conditions:
Congenital hyperammonemia, type I. Also called: Carbamoyl phosphate synthetase 1 deficiency; Hyperammonemia due to carbamoyl phosphate synthetase 1 deficiency; CPS 1 deficiency; Carbamyl phosphate synthetase (CPS) deficiency; CPS I DEFICIENCY; Carbamoyl phosphate synthetase I deficiency disease. Identifiers: Orphanet 147, MedGen C4082171, MONDO:0009376, OMIM 237300.

Submission:

Labcorp Genetics (formerly Invitae), Labcorp
Classification: Uncertain significance for Congenital hyperammonemia, type I. Last evaluated: 2022-02-02. Review status: criteria provided, single submitter. Criteria: Invitae Variant Classification Sherloc (09022015). Collection method: clinical testing. Allele origin: germline.
Comment: This sequence change falls in intron 30 of the CPS1 gene. It does not directly change the encoded amino acid sequence of the CPS1 protein. It affects a nucleotide within the consensus splice site. This variant is not present in population databases (gnomAD no frequency). This variant has not been reported in the literature in individuals affected with CPS1-related conditions. Variants that disrupt the consensus splice site are a relatively common cause of aberrant splicing (PMID: 17576681, 9536098). Algorithms developed to predict the effect of sequence changes on RNA splicing suggest that this variant is not likely to affect RNA splicing. In summary, the available evidence is currently insufficient to determine the role of this variant in disease. Therefore, it has been classified as a Variant of Uncertain Significance.

Literature cited by the submitters: PubMed 17576681; PubMed 9536098.

NM_001875.5(CPS1):c.3666+6_3666+8del

Gene: CPS1 (carbamoyl-phosphate synthase 1; plus strand). Cytogenetic location: 2q34.
Variant type: Microsatellite.
Coding change: c.3666+6_3666+8del on transcript NM_001875.5 (MANE Select); bases 6 to 8 of the intron after coding-DNA position 3666, 3 bases deleted (CAT; older notation c.3666+6_3666+8delCAT).
Molecular consequence: splice donor variant.
Genome position (GRCh38, 1-based): chr2:210,656,638-210,656,640, CAT deleted; deleting any 3 consecutive bases within chr2:210,656,634-210,656,640 gives the same sequence; the c. name uses the placement nearest the transcript's 3' end. VCF-style (leftmost placement, unchanged base first): chr2-210656633-GTCA-G. GRCh37 (hg19) VCF-style: chr2-211521357-GTCA-G.
Other names: c.3666+6_3666+8del (NM_001369257.1, NM_001122633.3); c.3699+6_3699+8del (NM_001369256.1).
Identifiers: ClinVar variation 1403017 (VCV001403017.3), dbSNP rs1219499475, ClinGen allele CA764168309.